The following is an entry in ClinVar:

NM_001164508.2(NEB):c.23416C>G (p.Gln7806Glu)

Genes: NEB (nebulin; minus strand), RIF1 (replication timing regulatory factor 1; plus strand). Cytogenetic location: 2q23.3.
Variant type: single nucleotide variant.
Coding change: c.23416C>G on transcript NM_001164508.2 (MANE Select); coding-DNA position 23416, C replaced by G.
Protein change: p.Gln7806Glu; replaces glutamine 7806 with glutamic acid.
Molecular consequence: missense variant.
Genome position (GRCh38, 1-based): chr2:151,508,040, G>C on the plus strand (C>G on the coding strand, the complement: NEB is on the minus strand). VCF-style: chr2-151508040-G-C. GRCh37 (hg19) VCF-style: chr2-152364554-G-C.
Other names: c.23416C>G, p.Gln7806Glu (NM_001164507.2); c.23521C>G, p.Gln7841Glu (NM_001271208.2); c.18313C>G, p.Gln6105Glu (NM_004543.5); c.18313C>G (NM_004543.4); short protein forms Q7806E, Q6105E, Q7841E.
Identifiers: ClinVar variation 968993 (VCV000968993.16), dbSNP rs750689059, ClinGen allele CA1906361.

ClinVar aggregate classification (germline): Conflicting classifications of pathogenicity. Review status: criteria provided, conflicting classifications (1 of 4 stars). 5 submissions from 5 submitters: Uncertain significance (3); Likely benign (1). 1 of the submissions does not count toward it. Last evaluated 2026-01-31.

Conditions:
Inborn genetic diseases. Identifiers: MedGen C0950123, MeSH D030342.
Nemaline myopathy 2 (NEM2). Also called: Nemaline myopathy 2, autosomal recessive. Identifiers: MedGen C1850569, MONDO:0009725, OMIM 256030.

Allele frequency attached by ClinVar (database versions not stated): ExAC 0.00001; gnomAD exomes 0.00001 and 0.00002; gnomAD 0.00003; TOPMed 0.00004.
gnomAD v4.1: 23 of 1,610,766 alleles (0.0014%); highest among the groups gnomAD compares: African/African-American, 0.008%; 1 homozygote.

Submissions (5):

Labcorp Genetics (formerly Invitae), Labcorp
Classification: Likely benign for Nemaline myopathy 2. Last evaluated: 2026-01-31. Review status: criteria provided, single submitter. Criteria: Invitae Variant Classification Sherloc (09022015). Collection method: clinical testing. Allele origin: germline.

Ambry Genetics
Classification: Uncertain significance for Inborn genetic diseases. Last evaluated: 2025-09-22. Review status: criteria provided, single submitter. Criteria: Ambry Variant Classification Scheme 2023. Collection method: clinical testing. Allele origin: germline.

Revvity Omics, Revvity
Classification: Uncertain significance. Last evaluated: 2020-07-10. Review status: criteria provided, single submitter. Criteria: ACMG Guidelines, 2015. Collection method: clinical testing. Allele origin: germline.

GeneDx
Classification: Uncertain significance. Last evaluated: 2020-02-11. Review status: criteria provided, single submitter. Criteria: GeneDx Variant Classification Process June 2021. Collection method: clinical testing. Allele origin: germline. Affected: yes.
Comment: Not observed at a significant frequency in large population cohorts (Lek et al., 2016); In silico analysis supports that this missense variant does not alter protein structure/function; Has not been previously published as pathogenic or benign to our knowledge

Natera, Inc.
Classification: Uncertain significance for Nemaline myopathy type 2. Last evaluated: 2020-02-21. Review status: no assertion criteria provided. Collection method: clinical testing. Allele origin: germline. Not counted in ClinVar's aggregate classification.